The following is an entry in ClinVar:

NM_000059.4(BRCA2):c.3664G>T (p.Ala1222Ser)

Gene: BRCA2 (BRCA2 DNA repair associated; plus strand). Cytogenetic location: 13q13.1.
Variant type: single nucleotide variant.
Coding change: c.3664G>T on transcript NM_000059.4 (MANE Select); coding-DNA position 3664, G replaced by T.
Protein change: p.Ala1222Ser; replaces alanine 1222 with serine.
Molecular consequence: missense variant.
Genome position (GRCh38, 1-based): chr13:32,338,019, G>T. VCF-style: chr13-32338019-G-T. GRCh37 (hg19) VCF-style: chr13-32912156-G-T.
Other names: short protein forms A1222S.
Identifiers: ClinVar variation 479302 (VCV000479302.21), dbSNP rs1555283343, ClinGen allele CA387777981.

ClinVar aggregate classification (germline): Conflicting classifications of pathogenicity. Review status: criteria provided, conflicting classifications (1 of 4 stars). 5 submissions from 5 submitters: Uncertain significance (4); Likely benign (1). Last evaluated 2024-01-11.

Conditions:
Hereditary cancer-predisposing syndrome. Also called: Neoplastic Syndromes, Hereditary; Hereditary Cancer Syndrome; Hereditary neoplastic syndrome; Tumor predisposition. Identifiers: Orphanet 140162, MedGen C0027672, MeSH D009386, MONDO:0015356.
Hereditary breast ovarian cancer syndrome. Also called: Hereditary breast and ovarian cancer syndrome (HBOC); Hereditary breast and ovarian cancer syndrome; Breast and ovarian cancer; BRCA1- and BRCA2-Associated Hereditary Breast and Ovarian Cancer; Hereditary breast and ovarian cancer; Hereditary breast and/or ovarian cancer syndrome. Identifiers: Orphanet 145, MedGen C0677776, MeSH D061325, MONDO:0003582. Disease mechanism: loss of function.

Submissions (5):

Labcorp Genetics (formerly Invitae), Labcorp
Classification: Uncertain significance for Hereditary breast ovarian cancer syndrome. Last evaluated: 2024-01-11. Review status: criteria provided, single submitter. Criteria: Invitae Variant Classification Sherloc (09022015). Collection method: clinical testing. Allele origin: germline.
Comment: This sequence change replaces alanine, which is neutral and non-polar, with serine, which is neutral and polar, at codon 1222 of the BRCA2 protein (p.Ala1222Ser). This variant is not present in population databases (gnomAD no frequency). This missense change has been observed in individual(s) with clinical features of BRCA2-related conditions (PMID: 21520333). ClinVar contains an entry for this variant (Variation ID: 479302). Advanced modeling of protein sequence and biophysical properties (such as structural, functional, and spatial information, amino acid conservation, physicochemical variation, residue mobility, and thermodynamic stability) performed at Invitae indicates that this missense variant is not expected to disrupt BRCA2 protein function with a negative predictive value of 95%. In summary, the available evidence is currently insufficient to determine the role of this variant in disease. Therefore, it has been classified as a Variant of Uncertain Significance.

Ambry Genetics
Classification: Uncertain significance for Hereditary cancer-predisposing syndrome. Last evaluated: 2023-07-21. Review status: criteria provided, single submitter. Criteria: Ambry Variant Classification Scheme 2023. Collection method: clinical testing. Allele origin: germline.
Comment: The p.A1222S variant (also known as c.3664G>T), located in coding exon 10 of the BRCA2 gene, results from a G to T substitution at nucleotide position 3664. The alanine at codon 1222 is replaced by serine, an amino acid with similar properties. This amino acid position is highly conserved in available vertebrate species. In addition, the in silico prediction for this alteration is inconclusive. Since supporting evidence is limited at this time, the clinical significance of this alteration remains unclear.

University of Washington Department of Laboratory Medicine, University of Washington
Classification: Likely benign for Hereditary cancer-predisposing syndrome. Last evaluated: 2023-03-23. Review status: criteria provided, single submitter. Criteria: Dines et al. (Genet Med. 2020). Collection method: curation. Allele origin: germline.
Comment: Missense variant in a coldspot region where missense variants are very unlikely to be pathogenic (PMID:31911673).

BRCA2 exon 11 coldspot. Reclassification based on statistical prior probability.

Quest Diagnostics Nichols Institute San Juan Capistrano
Classification: Uncertain significance. Last evaluated: 2020-08-24. Review status: criteria provided, single submitter. Criteria: Quest Diagnostics criteria. Collection method: clinical testing. Allele origin: unknown.

Color Diagnostics, LLC DBA Color Health
Classification: Uncertain significance for Hereditary cancer-predisposing syndrome. Last evaluated: 2019-07-09. Review status: criteria provided, single submitter. Criteria: ACMG Guidelines, 2015. Collection method: clinical testing. Allele origin: germline.
Comment: This missense variant replaces alanine with serine at codon 1222 of the BRCA2 protein. Computational prediction tools and conservation analyses suggest that this variant may have deleterious impact on the protein function. Computational splicing tools suggest that this variant may not impact RNA splicing. To our knowledge, functional assays have not been performed for this variant nor has this variant been reported in individuals affected with hereditary cancer in the literature. This variant has not been identified in the general population by the Genome Aggregation Database (gnomAD). The available evidence is insufficient to determine the role of this variant in disease conclusively. Therefore, this variant is classified as a Variant of Uncertain Significance.

Literature cited by the submitters: PubMed 21520333 (cited by Labcorp Genetics (formerly Invitae), Labcorp).